The following is an entry in ClinVar:

ClinVar aggregate classification (germline): Pathogenic (1 of 4 stars; one submission).

Conditions:
Early-infantile DEE. Also called: Early infantile epileptic encephalopathy; Ohtahara syndrome; Early infantile epileptic encephalopathy with suppression bursts. Identifiers: Orphanet 1934, MedGen C0393706, MONDO:0800491.

Submission:

Labcorp Genetics (formerly Invitae), Labcorp
Classification: Pathogenic for Early-infantile DEE. Last evaluated: 2024-05-07. Review status: criteria provided, single submitter. Criteria: Invitae Variant Classification Sherloc (09022015). Collection method: clinical testing. Allele origin: germline.
Comment: This sequence change creates a premature translational stop signal (p.Tyr790*) in the SCN1A gene. It is expected to result in an absent or disrupted protein product. Loss-of-function variants in SCN1A are known to be pathogenic (PMID: 17347258, 18930999). This variant is not present in population databases (gnomAD no frequency). This premature translational stop signal has been observed in individual(s) with Dravet syndrome (PMID: 18930999). For these reasons, this variant has been classified as Pathogenic.

Literature cited by the submitters: PubMed 17347258; PubMed 18930999.

NM_001165963.4(SCN1A):c.2370T>G (p.Tyr790Ter)

Gene: SCN1A (sodium voltage-gated channel alpha subunit 1; minus strand). Cytogenetic location: 2q24.3.
Variant type: single nucleotide variant.
Coding change: c.2370T>G on transcript NM_001165963.4 (MANE Select); coding-DNA position 2370, T replaced by G.
Protein change: p.Tyr790Ter; replaces tyrosine 790 with a stop codon.
Molecular consequence: nonsense. On other transcripts: 5 prime UTR variant (1), non-coding transcript variant (1).
Genome position (GRCh38, 1-based): chr2:166,041,276, A>C on the plus strand (T>G on the coding strand, the complement: SCN1A is on the minus strand). VCF-style: chr2-166041276-A-C. GRCh37 (hg19) VCF-style: chr2-166897786-A-C.
Other names: c.2334T>G, p.Tyr778Ter (NM_001353955.2, NM_001353954.2); c.2286T>G, p.Tyr762Ter (NM_001353957.2, NM_001353958.2, NM_001165964.3); c.2283T>G, p.Tyr761Ter (NM_001353960.2); c.-89T>G (NM_001353961.2); c.2337T>G, p.Tyr779Ter (NM_006920.6, NM_001353949.2, NM_001353950.2 and 2 more transcripts); c.2370T>G, p.Tyr790Ter (NM_001202435.3, NM_001353948.2); short protein forms Y779*, Y761*, Y778*, Y790*, Y762*.
Identifiers: ClinVar variation 3646508 (VCV003646508.2).